The following is an entry in ClinVar:

ClinVar aggregate classification (germline): Pathogenic/Likely pathogenic. Review status: criteria provided, multiple submitters, no conflicts (2 of 4 stars). 4 submissions from 4 submitters: Pathogenic (2); Likely pathogenic (2). Last evaluated 2025-09-09.

Conditions:
USH2A-related disorder. Also called: USH2A-related disorders; USH2A-related condition. Identifiers: MedGen CN239332.
Retinitis pigmentosa 39 (RP39). Identifiers: Orphanet 791, MedGen C3151138, MONDO:0013436, OMIM 613809.
Usher syndrome type 2A. Also called: RETINAL DISEASE IN USHER SYNDROME TYPE IIA, MODIFIER OF; USHER SYNDROME, TYPE IIA. Identifiers: Orphanet 231178, Orphanet 886, MedGen C1848634, MONDO:0010169, OMIM 276901.

gnomAD v4.1: 1 of 1,614,000 alleles (0.000062%); highest among the groups gnomAD compares: East Asian, 0.0022%; no homozygotes.

Submissions (4):

Natera, Inc.
Classification: Likely pathogenic for Usher syndrome type 2A. Last evaluated: 2025-09-09. Review status: criteria provided, single submitter. Criteria: Natera Variant Classification Schema (03/2026). Collection method: clinical testing. Allele origin: germline.
Comment: The c.7633A>T variant in USH2A is a nonsense variant predicted to introduce a stop codon at amino acid 2545. This variant is expected to result in nonsense mediated decay, truncation, or a dysfunctional protein product. This variant is rare in the general population with a frequency below the threshold expected for the associated phenotype(s). Given the available evidence, this variant is classified as Likely Pathogenic.

Myriad Genetics, Inc.
Classification: Pathogenic for USH2A-related disorder. Last evaluated: 2024-05-08. Review status: criteria provided, single submitter. Criteria: Myriad Autosomal Dominant, Autosomal Recessive and X-Linked Classification Criteria (2023). Collection method: clinical testing. Allele origin: unknown.
Comment: NM_206933.2(USH2A):c.7633A>T(K2545*) is expected to be pathogenic in the context of USH2A-related disorders. This variant is predicted to lead to an abnormal or absent protein product due to the creation of a premature termination codon in USH2A, a gene where loss-of-function variants are known to be pathogenic. Please note: this variant was assessed in the context of healthy population screening.

Baylor Genetics
Classification: Likely pathogenic for Retinitis pigmentosa 39. Last evaluated: 2023-12-23. Review status: criteria provided, single submitter. Criteria: ACMG Guidelines, 2015. Collection method: clinical testing. Allele origin: unknown.

Labcorp Genetics (formerly Invitae), Labcorp
Classification: Pathogenic. Last evaluated: 2019-07-25. Review status: criteria provided, single submitter. Criteria: Invitae Variant Classification Sherloc (09022015). Collection method: clinical testing. Allele origin: germline.
Comment: This variant is not present in population databases (ExAC no frequency). This variant has not been reported in the literature in individuals with USH2A-related conditions. Loss-of-function variants in USH2A are known to be pathogenic (PMID: 10729113, 10909849, 20507924, 25649381). For these reasons, this variant has been classified as Pathogenic. This sequence change creates a premature translational stop signal (p.Lys2545*) in the USH2A gene. It is expected to result in an absent or disrupted protein product.

Literature cited by the submitters: PubMed 10729113 (cited by Labcorp Genetics (formerly Invitae), Labcorp); PubMed 10909849 (cited by Labcorp Genetics (formerly Invitae), Labcorp); PubMed 20507924 (cited by Labcorp Genetics (formerly Invitae), Labcorp); PubMed 25649381 (cited by Labcorp Genetics (formerly Invitae), Labcorp).

NM_206933.4(USH2A):c.7633A>T (p.Lys2545Ter)

Gene: USH2A (usherin; minus strand). Cytogenetic location: 1q41.
Variant type: single nucleotide variant.
Coding change: c.7633A>T on transcript NM_206933.4 (MANE Select); coding-DNA position 7633, A replaced by T.
Protein change: p.Lys2545Ter; replaces lysine 2545 with a stop codon.
Molecular consequence: nonsense.
Genome position (GRCh38, 1-based): chr1:215,889,016, T>A on the plus strand (A>T on the coding strand, the complement: USH2A is on the minus strand). VCF-style: chr1-215889016-T-A. GRCh37 (hg19) VCF-style: chr1-216062358-T-A.
Other names: short protein forms K2545*.
Identifiers: ClinVar variation 958789 (VCV000958789.10), dbSNP rs774559456, ClinGen allele CA344841584.